The following is an entry in ClinVar:

ClinVar aggregate classification (germline): Uncertain significance (1 of 4 stars; one submission).

gnomAD v4.1: 1 of 1,583,088 alleles (0.000063%); highest among the groups gnomAD compares: Non-Finnish European, 0.000086%; no homozygotes.

Submission:

Labcorp Genetics (formerly Invitae), Labcorp
Classification: Uncertain significance. Last evaluated: 2021-08-22. Review status: criteria provided, single submitter. Criteria: Invitae Variant Classification Sherloc (09022015). Collection method: clinical testing. Allele origin: germline.
Comment: In summary, the available evidence is currently insufficient to determine the role of this variant in disease. Therefore, it has been classified as a Variant of Uncertain Significance. Algorithms developed to predict the effect of missense changes on protein structure and function are either unavailable or do not agree on the potential impact of this missense change (SIFT: "Tolerated"; PolyPhen-2: "Possibly Damaging"; Align-GVGD: "Class C0"). This variant has not been reported in the literature in individuals affected with AGBL5-related conditions. This variant is not present in population databases (ExAC no frequency). This sequence change replaces isoleucine with threonine at codon 210 of the AGBL5 protein (p.Ile210Thr). The isoleucine residue is moderately conserved and there is a moderate physicochemical difference between isoleucine and threonine.

NM_021831.6(AGBL5):c.629T>C (p.Ile210Thr)

Gene: AGBL5 (AGBL carboxypeptidase 5; plus strand). Cytogenetic location: 2p23.3.
Variant type: single nucleotide variant.
Coding change: c.629T>C on transcript NM_021831.6 (MANE Select); coding-DNA position 629, T replaced by C.
Protein change: p.Ile210Thr; replaces isoleucine 210 with threonine.
Molecular consequence: missense variant. On other transcripts: non-coding transcript variant (2).
Genome position (GRCh38, 1-based): chr2:27,054,707, T>C. VCF-style: chr2-27054707-T-C. GRCh37 (hg19) VCF-style: chr2-27277575-T-C.
Other names: c.629T>C, p.Ile210Thr (NM_001035507.3); short protein forms I210T.
Identifiers: ClinVar variation 1500348 (VCV001500348.6), dbSNP rs2148272748, ClinGen allele CA346173449.